The following is an entry in ClinVar:

ClinVar aggregate classification (germline): Conflicting classifications of pathogenicity. Review status: criteria provided, conflicting classifications (1 of 4 stars). 4 submissions from 4 submitters: Uncertain significance (3); Benign (1). Last evaluated 2025-04-21.

Conditions:
BAP1-related tumor predisposition syndrome (TPDS1). Also called: Tumor susceptibility linked to germline BAP1 mutations; COMMON Syndrome; TUMOR PREDISPOSITION SYNDROME 1; BAP1 tumor predisposition syndrome. Identifiers: Orphanet 289539, MedGen C3280492, MONDO:0013692, OMIM 614327.
Hereditary cancer-predisposing syndrome. Also called: Tumor predisposition; Hereditary neoplastic syndrome; Neoplastic Syndromes, Hereditary; Hereditary Cancer Syndrome. Identifiers: Orphanet 140162, MedGen C0027672, MeSH D009386, MONDO:0015356.

Allele frequency attached by ClinVar (database versions not stated): gnomAD exomes below 0.00001; gnomAD 0.00001.
gnomAD v4.1: 5 of 1,613,994 alleles (0.00031%); highest among the groups gnomAD compares: African/African-American, 0.004%; no homozygotes.

Submissions (4):

Ambry Genetics
Classification: Benign for Hereditary cancer-predisposing syndrome. Last evaluated: 2025-04-21. Review status: criteria provided, single submitter. Criteria: Ambry Variant Classification Scheme 2023. Collection method: clinical testing. Allele origin: germline.

Labcorp Genetics (formerly Invitae), Labcorp
Classification: Uncertain significance for BAP1-related tumor predisposition syndrome. Last evaluated: 2024-04-07. Review status: criteria provided, single submitter. Criteria: Invitae Variant Classification Sherloc (09022015). Collection method: clinical testing. Allele origin: germline.
Comment: This sequence change replaces valine, which is neutral and non-polar, with isoleucine, which is neutral and non-polar, at codon 541 of the BAP1 protein (p.Val541Ile). This variant is present in population databases (no rsID available, gnomAD 0.004%). This variant has not been reported in the literature in individuals affected with BAP1-related conditions. ClinVar contains an entry for this variant (Variation ID: 1008767). Advanced modeling of protein sequence and biophysical properties (such as structural, functional, and spatial information, amino acid conservation, physicochemical variation, residue mobility, and thermodynamic stability) performed at Invitae indicates that this missense variant is not expected to disrupt BAP1 protein function with a negative predictive value of 80%. In summary, the available evidence is currently insufficient to determine the role of this variant in disease. Therefore, it has been classified as a Variant of Uncertain Significance.

Color Diagnostics, LLC DBA Color Health
Classification: Uncertain significance for Hereditary cancer-predisposing syndrome. Last evaluated: 2024-03-10. Review status: criteria provided, single submitter. Criteria: ACMG Guidelines, 2015. Collection method: clinical testing. Allele origin: germline.
Comment: This missense variant replaces valine with isoleucine at codon 541 of the BAP1 protein. Computational prediction suggests that this variant may not impact protein structure and function (internally defined REVEL score threshold <= 0.5, PMID: 27666373). To our knowledge, functional studies have not been reported for this variant. This variant has not been reported in individuals affected with BAP1-related disorders in the literature. This variant has been identified in 2/282576 chromosomes in the general population by the Genome Aggregation Database (gnomAD). The available evidence is insufficient to determine the role of this variant in disease conclusively. Therefore, this variant is classified as a Variant of Uncertain Significance.

Baylor Genetics
Classification: Uncertain significance for BAP1-related tumor predisposition syndrome. Last evaluated: 2023-12-27. Review status: criteria provided, single submitter. Criteria: ACMG Guidelines, 2015. Collection method: clinical testing. Allele origin: unknown.

Literature cited by the submitters: PubMed 38969833 (cited by Ambry Genetics).

NM_004656.4(BAP1):c.1621G>A (p.Val541Ile)

Gene: BAP1 (BRCA1 associated deubiquitinase 1; minus strand). Cytogenetic location: 3p21.1.
Variant type: single nucleotide variant.
Coding change: c.1621G>A on transcript NM_004656.4 (MANE Select); coding-DNA position 1621, G replaced by A.
Protein change: p.Val541Ile; replaces valine 541 with isoleucine.
Molecular consequence: missense variant.
Genome position (GRCh38, 1-based): chr3:52,403,524, C>T on the plus strand (G>A on the coding strand, the complement: BAP1 is on the minus strand). VCF-style: chr3-52403524-C-T. GRCh37 (hg19) VCF-style: chr3-52437540-C-T.
Other names: short protein forms V541I.
Identifiers: ClinVar variation 1008767 (VCV001008767.10), dbSNP rs1403009542, ClinGen allele CA353100272.